The following is an entry in ClinVar:

NM_022489.4(INF2):c.1577G>A (p.Cys526Tyr)

Gene: INF2 (inverted formin 2; plus strand). Cytogenetic location: 14q32.33.
Variant type: single nucleotide variant.
Coding change: c.1577G>A on transcript NM_022489.4 (MANE Select); coding-DNA position 1577, G replaced by A.
Protein change: p.Cys526Tyr; replaces cysteine 526 with tyrosine.
Molecular consequence: missense variant.
Genome position (GRCh38, 1-based): chr14:104,707,844, G>A. VCF-style: chr14-104707844-G-A. GRCh37 (hg19) VCF-style: chr14-105174181-G-A.
Other names: c.1577G>A, p.Cys526Tyr (NM_001031714.4); short protein forms C526Y.
Identifiers: ClinVar variation 933934 (VCV000933934.9), dbSNP rs751942076, ClinGen allele CA7372592.
Genomic context (GRCh38, chr14:104,707,844, plus strand): 5'-TGCTGCCTGGTATGGGCTGGGGCCCTCCTCCACCCCCACCTCCACTACTGCCCTGCACCT[G>A]CAGCCCCCCCGTGGCGGGAGGCATGGAGGAGGTCATCGTGGCCCAGGTGGACCATGGCTT-3'
Protein context (NP_071934.3, residues 516-536): PPPPPLLPCT[Cys526Tyr]SPPVAGGMEE

ClinVar aggregate classification (germline): Uncertain significance (1 of 4 stars; one submission).

Conditions:
Charcot-Marie-Tooth disease dominant intermediate E. Also called: CHARCOT-MARIE-TOOTH NEUROPATHY WITH FOCAL SEGMENTAL GLOMERULONEPHRITIS. Identifiers: Orphanet 93114, MedGen C4302667, MONDO:0013758, OMIM 614455.
Focal segmental glomerulosclerosis 5 (FSGS5). Identifiers: Orphanet 656, MedGen C2750475, MONDO:0013191, OMIM 613237.

Allele frequency attached by ClinVar (database versions not stated): ExAC 0.00001; gnomAD exomes 0.00001.
gnomAD v4.1: 3 of 1,601,252 alleles (0.00019%); highest among the groups gnomAD compares: East Asian, 0.0045%; no homozygotes.

Submission:

Labcorp Genetics (formerly Invitae), Labcorp
Classification: Uncertain significance for Charcot-Marie-Tooth disease dominant intermediate E; Focal segmental glomerulosclerosis 5. Last evaluated: 2019-05-21. Review status: criteria provided, single submitter. Criteria: Invitae Variant Classification Sherloc (09022015). Collection method: clinical testing. Allele origin: germline.
Comment: This sequence change replaces cysteine with tyrosine at codon 526 of the INF2 protein (p.Cys526Tyr). The cysteine residue is weakly conserved and there is a large physicochemical difference between cysteine and tyrosine. This variant is present in population databases (rs751942076, ExAC 0.002%). This variant has not been reported in the literature in individuals with INF2-related conditions. Algorithms developed to predict the effect of missense changes on protein structure and function (SIFT, PolyPhen-2, Align-GVGD) all suggest that this variant is likely to be tolerated, but these predictions have not been confirmed by published functional studies and their clinical significance is uncertain. In summary, the available evidence is currently insufficient to determine the role of this variant in disease. Therefore, it has been classified as a Variant of Uncertain Significance.